The following is an entry in ClinVar:

ClinVar aggregate classification (germline): Uncertain significance (1 of 4 stars; one submission).

Conditions:
Fanconi anemia complementation group J. Also called: BRIP1-Related Fanconi Anemia. Identifiers: Orphanet 84, MedGen C1836860, MONDO:0012187, OMIM 609054.
Familial cancer of breast. Also called: BREAST CANCER, FAMILIAL; Hereditary breast cancer; hereditary breast carcinoma. Identifiers: Orphanet 227535, MedGen C0346153, MONDO:0016419, OMIM 114480. Disease mechanism: loss of function.

Submission:

Labcorp Genetics (formerly Invitae), Labcorp
Classification: Uncertain significance for Familial cancer of breast; Fanconi anemia complementation group J. Last evaluated: 2024-11-11. Review status: criteria provided, single submitter. Criteria: Invitae Variant Classification Sherloc (09022015). Collection method: clinical testing. Allele origin: germline.
Comment: This sequence change replaces threonine, which is neutral and polar, with isoleucine, which is neutral and non-polar, at codon 630 of the BRIP1 protein (p.Thr630Ile). This variant is not present in population databases (gnomAD no frequency). This variant has not been reported in the literature in individuals affected with BRIP1-related conditions. Invitae Evidence Modeling of protein sequence and biophysical properties (such as structural, functional, and spatial information, amino acid conservation, physicochemical variation, residue mobility, and thermodynamic stability) indicates that this missense variant is not expected to disrupt BRIP1 protein function with a negative predictive value of 95%. In summary, the available evidence is currently insufficient to determine the role of this variant in disease. Therefore, it has been classified as a Variant of Uncertain Significance.

NM_032043.3(BRIP1):c.1889C>T (p.Thr630Ile)

Gene: BRIP1 (BRCA1 interacting DNA helicase 1; minus strand). Cytogenetic location: 17q23.2.
Variant type: single nucleotide variant.
Coding change: c.1889C>T on transcript NM_032043.3 (MANE Select); coding-DNA position 1889, C replaced by T.
Protein change: p.Thr630Ile; replaces threonine 630 with isoleucine.
Molecular consequence: missense variant.
Genome position (GRCh38, 1-based): chr17:61,780,307, G>A on the plus strand (C>T on the coding strand, the complement: BRIP1 is on the minus strand). VCF-style: chr17-61780307-G-A. GRCh37 (hg19) VCF-style: chr17-59857668-G-A.
Other names: short protein forms T630I.
Identifiers: ClinVar variation 3759057 (VCV003759057.2).